The following is an entry in ClinVar:

NM_004333.6(BRAF):c.2279A>G (p.Tyr760Cys)

Gene: BRAF (B-Raf proto-oncogene, serine/threonine kinase; minus strand). Cytogenetic location: 7q34.
Variant type: single nucleotide variant.
Coding change: c.2279A>G on transcript NM_004333.6 (MANE Select); coding-DNA position 2279, A replaced by G.
Protein change: p.Tyr760Cys; replaces tyrosine 760 with cysteine.
Molecular consequence: missense variant. On other transcripts: intron variant (2).
Genome position (GRCh38, 1-based): chr7:140,734,619, T>C on the plus strand (A>G on the coding strand, the complement: BRAF is on the minus strand). VCF-style: chr7-140734619-T-C. GRCh37 (hg19) VCF-style: chr7-140434419-T-C.
Other names: c.2279A>G, p.Tyr760Cys (NM_001354609.2); c.2399A>G, p.Tyr800Cys (NM_001374244.1, NM_001374258.1); c.2288A>G, p.Tyr763Cys (NM_001378467.1); c.2213A>G, p.Tyr738Cys (NM_001378469.1); c.2177A>G, p.Tyr726Cys (NM_001378470.1); c.2168A>G, p.Tyr723Cys (NM_001378471.1); c.2123A>G, p.Tyr708Cys (NM_001378472.1, NM_001378473.1); c.2015A>G, p.Tyr672Cys (NM_001378475.1); and 1 more; short protein forms Y760C, Y672C, Y708C, Y723C, Y726C, Y738C, Y763C, Y800C.
Identifiers: ClinVar variation 568014 (VCV000568014.5), dbSNP rs1305119093, ClinGen allele CA369537004.
Genomic context (GRCh38, chr7:140,734,619, plus strand): 5'-TTTGTTGCTACTCTCCTGAACTCTCTCACTCATTTGTTTCAGTGGACAGGAAACGCACCA[T>C]ATCCCCCTGCCTGGATGGGTGTTTTTGGAGAAGCACAAGCATATAGACTAAAATCCTCTG-3'
Protein context (NP_004324.2, residues 750-766): SPKTPIQAGG[Tyr760Cys]GAFPVH

ClinVar aggregate classification (germline): Uncertain significance (1 of 4 stars; one submission).

Conditions:
RASopathy. Also called: rasopathies; Noonan spectrum disorder. Identifiers: Orphanet 536391, MedGen C5555857, MONDO:0021060.

Allele frequency attached by ClinVar (database versions not stated): gnomAD exomes below 0.00001; TOPMed below 0.00001; gnomAD 0.00001.
gnomAD v4.1: 2 of 1,613,746 alleles (0.00012%); highest among the groups gnomAD compares: African/African-American, 0.0027%; no homozygotes.

Submission:

Labcorp Genetics (formerly Invitae), Labcorp
Classification: Uncertain significance for RASopathy. Last evaluated: 2022-10-07. Review status: criteria provided, single submitter. Criteria: Invitae Variant Classification Sherloc (09022015). Collection method: clinical testing. Allele origin: germline.
Comment: In summary, the available evidence is currently insufficient to determine the role of this variant in disease. Therefore, it has been classified as a Variant of Uncertain Significance. Advanced modeling of protein sequence and biophysical properties (such as structural, functional, and spatial information, amino acid conservation, physicochemical variation, residue mobility, and thermodynamic stability) performed at Invitae indicates that this missense variant is expected to disrupt BRAF protein function. ClinVar contains an entry for this variant (Variation ID: 568014). This variant has not been reported in the literature in individuals affected with BRAF-related conditions. This variant is not present in population databases (gnomAD no frequency). This sequence change replaces tyrosine, which is neutral and polar, with cysteine, which is neutral and slightly polar, at codon 760 of the BRAF protein (p.Tyr760Cys).